The following is an entry in ClinVar:

ClinVar aggregate classification (germline): Uncertain significance (1 of 4 stars; one submission).

Submission:

Labcorp Genetics (formerly Invitae), Labcorp
Classification: Uncertain significance. Last evaluated: 2023-11-03. Review status: criteria provided, single submitter. Criteria: Invitae Variant Classification Sherloc (09022015). Collection method: clinical testing. Allele origin: germline.
Comment: This variant, c.1120_1122del, results in the deletion of 1 amino acid(s) of the COQ8A protein (p.Asn374del), but otherwise preserves the integrity of the reading frame. This variant is not present in population databases (gnomAD no frequency). This variant has not been reported in the literature in individuals affected with COQ8A-related conditions. Experimental studies and prediction algorithms are not available or were not evaluated, and the functional significance of this variant is currently unknown. In summary, the available evidence is currently insufficient to determine the role of this variant in disease. Therefore, it has been classified as a Variant of Uncertain Significance.

NM_020247.5(COQ8A):c.1117AAC[1] (p.Asn374del)

Gene: COQ8A (coenzyme Q8A; plus strand). Cytogenetic location: 1q42.13.
Variant type: Microsatellite.
Coding change: c.1117AAC[1] on transcript NM_020247.5 (MANE Select); one copy of the 3-base unit AAC starting at c.1117; the reference has two copies in a row; one copy, 3 bases deleted.
Protein change: p.Asn374del; deletes asparagine 374.
Molecular consequence: inframe deletion.
Genome position (GRCh38, 1-based): chr1:226,983,591-226,983,593, AAC deleted; deleting any 3 consecutive bases within chr1:226,983,587-226,983,593 gives the same sequence; the position shown is the placement nearest the transcript's 3' end. VCF-style (leftmost placement, unchanged base first): chr1-226983586-TCAA-T. GRCh37 (hg19) VCF-style: chr1-227171287-TCAA-T.
Other names: short protein forms N374del.
Identifiers: ClinVar variation 2693008 (VCV002693008.3), dbSNP rs2528377718, ClinGen allele CA2574145802.
Genomic context (GRCh38, chr1:226,983,586, plus strand): 5'-CCCCTGCCTCACCCATACCCCCACAGTACCCTGGCGTGGCCCAGAGCATCAACAGTGATG[TCAA>T]CAACCTCATGGCCGTGTTGAACATGAGCAACATGCTTCCAGAAGGTCTGAGGCTAGGTGG-3'